The following is an entry in ClinVar:

ClinVar aggregate classification (germline): other (0 of 4 stars; one submission).

Conditions:
Familial colorectal cancer. Identifiers: MedGen CN280943, MONDO:0023113. Disease mechanism: loss of function.

Submission:

Systems Biology Platform Zhejiang California International NanoSystems Institute
Classification: other for Familial colorectal cancer. Review status: no assertion criteria provided. Collection method: not provided. Allele origin: unknown.
ClinVar note: Converted during submission from cancer to other.

NM_000038.6(APC):c.-19+6005C>T

Gene: APC (APC regulator of WNT signaling pathway; plus strand). Cytogenetic location: 5q22.2.
Variant type: single nucleotide variant.
Coding change: c.-19+6005C>T on transcript NM_000038.6 (MANE Select); 6005 bases into the intron after 19 bases upstream of the start codon, C replaced by T.
Molecular consequence: intron variant.
Genome position (GRCh38, 1-based): chr5:112,743,930, C>T. VCF-style: chr5-112743930-C-T. GRCh37 (hg19) VCF-style: chr5-112079627-C-T.
Other names: c.-18-10943C>T (NM_001354895.2); c.166-22396C>T (NM_001354897.2, NM_001354902.2, NM_001127511.3); c.-19+5470C>T (NM_001127510.3); c.60+5470C>T (NM_001354898.2, NM_001354904.2); c.-1054+6005C>T (NM_001354906.2); c.-19+6005C>T (NM_001354896.2, NM_001354903.2, NM_001354899.2); c.-43+6005C>T (NM_001354900.2, NM_001354901.2, NM_001354905.2).
Identifiers: ClinVar variation 82763 (VCV000082763.2), dbSNP rs75813016, ClinGen allele CA006881.